The following is an entry in ClinVar:

NM_000512.5(GALNS):c.1458C>T (p.Leu486=)

Genes: GALNS (galactosamine (N-acetyl)-6-sulfatase; minus strand), LOC126862447 (CDK7 strongly-dependent group 2 enhancer GRCh37_chr16:88884193-88885392; plus strand). Cytogenetic location: 16q24.3.
Variant type: single nucleotide variant.
Coding change: c.1458C>T on transcript NM_000512.5 (MANE Select); coding-DNA position 1458, C replaced by T.
Protein change: p.Leu486=; no amino-acid change (leucine 486 retained).
Molecular consequence: synonymous variant.
Genome position (GRCh38, 1-based): chr16:88,818,031, G>A on the plus strand (C>T on the coding strand, the complement: GALNS is on the minus strand). VCF-style: chr16-88818031-G-A. GRCh37 (hg19) VCF-style: chr16-88884439-G-A.
Other names: c.903C>T, p.Leu301= (NM_001323543.2); c.1476C>T, p.Leu492= (NM_001323544.2).
Identifiers: ClinVar variation 2647013 (VCV002647013.27), dbSNP rs2508364718, ClinGen allele CA497095704.

ClinVar aggregate classification (germline): Likely benign. Review status: criteria provided, multiple submitters, no conflicts (2 of 4 stars). 2 submissions from 2 submitters: Likely benign (2). Last evaluated 2023-08-30.

Conditions:
Mucopolysaccharidosis, MPS-IV-A (MPS4A). Also called: Morquio syndrome A, mild; MORQUIO SYNDROME A; GALACTOSAMINE-6-SULFATASE DEFICIENCY; GALNS DEFICIENCY; MORQUIO A DISEASE; Mucopolysaccharidosis type IV A. Identifiers: Orphanet 309297, Orphanet 582, MedGen C0086651, MONDO:0009659, OMIM 253000.

gnomAD v4.1: 3 of 1,583,408 alleles (0.00019%); highest among the groups gnomAD compares: East Asian, 0.0023%; no homozygotes.

Submissions (2):

Labcorp Genetics (formerly Invitae), Labcorp
Classification: Likely benign for Mucopolysaccharidosis, MPS-IV-A. Last evaluated: 2023-08-30. Review status: criteria provided, single submitter. Criteria: Invitae Variant Classification Sherloc (09022015). Collection method: clinical testing. Allele origin: germline.

CeGaT Center for Human Genetics Tuebingen
Classification: Likely benign. Last evaluated: 2022-08-01. Review status: criteria provided, single submitter. Criteria: CeGaT Center For Human Genetics Tuebingen Variant Classification Criteria Version 2. Collection method: clinical testing. Allele origin: germline. Affected: yes. Observed: 1 variant allele.
Comment: GALNS: PM2:Supporting, BP4, BP7